The following is an entry in ClinVar:

ClinVar aggregate classification (germline): Pathogenic (1 of 4 stars; one submission).

Submission:

Labcorp Genetics (formerly Invitae), Labcorp
Classification: Pathogenic. Last evaluated: 2025-03-11. Review status: criteria provided, single submitter. Criteria: Invitae Variant Classification Sherloc (09022015). Collection method: clinical testing. Allele origin: germline.
Comment: This sequence change creates a premature translational stop signal (p.Gln798*) in the ADAMTS17 gene. It is expected to result in an absent or disrupted protein product. Loss-of-function variants in ADAMTS17 are known to be pathogenic (PMID: 19836009, 24940034). This variant is not present in population databases (gnomAD no frequency). This variant has not been reported in the literature in individuals affected with ADAMTS17-related conditions. For these reasons, this variant has been classified as Pathogenic.

Literature cited by the submitters: PubMed 19836009; PubMed 24940034.

NM_139057.4(ADAMTS17):c.2392C>T (p.Gln798Ter)

Gene: ADAMTS17 (ADAM metallopeptidase with thrombospondin type 1 motif 17; minus strand). Cytogenetic location: 15q26.3.
Variant type: single nucleotide variant.
Coding change: c.2392C>T on transcript NM_139057.4 (MANE Select); coding-DNA position 2392, C replaced by T.
Protein change: p.Gln798Ter; replaces glutamine 798 with a stop codon.
Molecular consequence: nonsense.
Genome position (GRCh38, 1-based): chr15:100,051,635, G>A on the plus strand (C>T on the coding strand, the complement: ADAMTS17 is on the minus strand). VCF-style: chr15-100051635-G-A. GRCh37 (hg19) VCF-style: chr15-100591840-G-A.
Other names: short protein forms Q798*.
Identifiers: ClinVar variation 4714880 (VCV004714880.1).